The following is an entry in ClinVar:

ClinVar aggregate classification (germline): Benign/Likely benign. Review status: criteria provided, multiple submitters, no conflicts (2 of 4 stars). 3 submissions from 3 submitters: Benign (1); Likely benign (2). Last evaluated 2026-04-16.

Conditions:
DICER1-related tumor predisposition. Also called: DICER1 syndrome; DICER1-related pleuropulmonary blastoma cancer predisposition syndrome. Identifiers: Orphanet 284343, MedGen C3839822, MONDO:0100216.
Hereditary cancer-predisposing syndrome. Also called: Neoplastic Syndromes, Hereditary; Tumor predisposition; Hereditary Cancer Syndrome; Hereditary neoplastic syndrome. Identifiers: Orphanet 140162, MedGen C0027672, MeSH D009386, MONDO:0015356.

Submissions (3):

Myriad Genetics, Inc.
Classification: Benign for DICER1-related tumor predisposition. Last evaluated: 2026-04-16. Review status: criteria provided, single submitter. Criteria: Myriad Autosomal Dominant, Autosomal Recessive and X-Linked Classification Criteria (2023). Collection method: clinical testing. Allele origin: unknown.
Comment: This variant is considered benign. This variant is a silent/synonymous amino acid change and it is not expected to impact splicing.

Labcorp Genetics (formerly Invitae), Labcorp
Classification: Likely benign for DICER1-related tumor predisposition. Last evaluated: 2024-01-30. Review status: criteria provided, single submitter. Criteria: Invitae Variant Classification Sherloc (09022015). Collection method: clinical testing. Allele origin: germline.

Ambry Genetics
Classification: Likely benign for Hereditary cancer-predisposing syndrome. Last evaluated: 2023-02-12. Review status: criteria provided, single submitter. Criteria: Ambry Variant Classification Scheme 2023. Collection method: clinical testing. Allele origin: germline.

NM_177438.3(DICER1):c.2130C>T (p.Asp710=)

Gene: DICER1 (dicer 1, ribonuclease III; minus strand). Cytogenetic location: 14q32.13.
Variant type: single nucleotide variant.
Coding change: c.2130C>T on transcript NM_177438.3 (MANE Select); coding-DNA position 2130, C replaced by T.
Protein change: p.Asp710=; no amino-acid change (aspartic acid 710 retained).
Molecular consequence: synonymous variant.
Genome position (GRCh38, 1-based): chr14:95,111,443, G>A on the plus strand (C>T on the coding strand, the complement: DICER1 is on the minus strand). VCF-style: chr14-95111443-G-A. GRCh37 (hg19) VCF-style: chr14-95577780-G-A.
Other names: c.2130C>T (NM_177438.2); c.2130C>T, p.Asp710= (NM_001195573.1, NM_001271282.3, NM_001291628.2 and 1 more transcripts).
Identifiers: ClinVar variation 1143065 (VCV001143065.12), dbSNP rs2140068574, ClinGen allele CA487628751.